The following is an entry in ClinVar:

ClinVar aggregate classification (germline): Benign. Review status: criteria provided, multiple submitters, no conflicts (2 of 4 stars). 12 submissions from 12 submitters: Benign (12). Last evaluated 2026-02-03.

Conditions:
Heterotopia, periventricular, X-linked dominant (PVNH1). Also called: PERIVENTRICULAR NODULAR HETEROTOPIA 4; HETEROTOPIA, PERIVENTRICULAR, 1; X-linked periventricular heterotopia; PERIVENTRICULAR NODULAR HETEROTOPIA 1. Identifiers: Orphanet 2149, Orphanet 82004, MedGen C1848213, MONDO:0010233, OMIM 300049.
Melnick-Needles syndrome (MNS). Also called: Melnick-Needles Syndrome (FLNA-MNS); MELNICK-NEEDLES OSTEODYSPLASTY; OSTEODYSPLASTY OF MELNICK AND NEEDLES. Identifiers: Orphanet 2484, MedGen C0025237, MONDO:0010650, OMIM 309350.
Oto-palato-digital syndrome, type II (OPD2). Also called: Otopalatodigital Syndrome Type 2 (FLNA-OPD2); FACIOPALATOOSSEOUS SYNDROME; OPD II SYNDROME; Otopalatodigital Syndrome, Type II. Identifiers: Orphanet 669, Orphanet 90652, MedGen C1844696, MONDO:0010571, OMIM 304120.
Frontometaphyseal dysplasia (FMD1). Identifiers: Orphanet 1826, MedGen C0265293, MONDO:0015942.
Intestinal pseudoobstruction, neuronal, chronic idiopathic, X-linked (CIIPX). Also called: FLNA-Related Periventricular Nodular Heterotopia (FLNA-Related PVNH; Huttenlocher Syndrome); CONGENITAL IDIOPATHIC INTESTINAL PSEUDOOBSTRUCTION; INTESTINAL PSEUDOOBSTRUCTION, NEURONAL, CHRONIC IDIOPATHIC, WITH CENTRAL NERVOUS SYSTEM INVOLVEMENT. Identifiers: Orphanet 2301, MedGen C2746068, MONDO:0010232, OMIM 300048.
Terminal osseous dysplasia-pigmentary defects syndrome. Also called: ODPF SYNDROME; OSSEOUS DYSPLASIA, DIGITAL, WITH FACIAL PIGMENTARY DEFECTS AND MULTIPLE FRENULA; ODPD; TERMINAL OSSEOUS DYSPLASIA AND PIGMENTARY DEFECTS; Terminal Osseous Dysplasia (FLNA-TOD). Identifiers: Orphanet 88630, MedGen C1846129, MONDO:0010279, OMIM 300244.
FG syndrome 2 (FGS2). Identifiers: MedGen C1845902, MONDO:0010297, OMIM 300321.
Oto-palato-digital syndrome, type I (OPD1). Also called: Otopalatodigital Syndrome Type 1 (FLNA-OPD1); Taybi syndrome; OPD I SYNDROME; OPD SYNDROME 1; Otopalatodigital Syndrome, Type I. Identifiers: Orphanet 669, Orphanet 90650, MedGen C0265251, MONDO:0010704, OMIM 311300.
Cardiac valvular dysplasia, X-linked (CVDPX). Also called: Congenital valvular dysplasia; Isolated X-Linked Cardiac Valvular Dysplasia; MYXOMATOUS VALVULAR DYSTROPHY, X-LINKED; VALVULAR HEART DISEASE, CONGENITAL; FLNA-Related X-linked Cardiac Valvular Dysplasia. Identifiers: Orphanet 1864, Orphanet 555877, Orphanet 75497, MedGen C0262436, MONDO:0010753, OMIM 314400.
Frontometaphyseal dysplasia 1 (FMD1). Also called: Frontometaphyseal Dysplasia (FLNA-FMD). Identifiers: Orphanet 1826, MedGen C4281559, MONDO:0024550, OMIM 305620.
Familial thoracic aortic aneurysm and aortic dissection (TAAD). Also called: Thoracic aortic aneurysms and dissections. Identifiers: Orphanet 91387, MedGen C4707243, MONDO:0019625.

Allele frequency attached by ClinVar (database versions not stated): ESP Exome Variant Server 0.00010; gnomAD exomes 0.00259 and 0.01247; gnomAD 0.00373 and 0.00392; TOPMed 0.00765; 1000 Genomes Project 30x 0.01041; 1000 Genomes Project 0.00927; ExAC 0.00966.
gnomAD v4.1: 3,287 of 1,208,245 alleles (0.27%); highest among the groups gnomAD compares: Admixed American, 6.6%; 105 homozygotes.

Submissions (12):

Labcorp Genetics (formerly Invitae), Labcorp
Classification: Benign for Oto-palato-digital syndrome, type II; Heterotopia, periventricular, X-linked dominant; Frontometaphyseal dysplasia; Melnick-Needles syndrome. Last evaluated: 2026-02-03. Review status: criteria provided, single submitter. Criteria: Invitae Variant Classification Sherloc (09022015). Collection method: clinical testing. Allele origin: germline.

ARUP Laboratories, Molecular Genetics and Genomics, ARUP Laboratories
Classification: Benign. Last evaluated: 2025-07-10. Review status: criteria provided, single submitter. Criteria: ARUP Molecular Germline Variant Investigation Process 2024. Collection method: clinical testing. Allele origin: germline.

Molecular Diagnostic Laboratory for Inherited Cardiovascular Disease, Montreal Heart Institute
Classification: Benign. Last evaluated: 2025-04-09. Review status: criteria provided, single submitter. Criteria: ACMG Guidelines, 2015. Collection method: clinical testing. Allele origin: germline. Affected: no.
Comment: BS1;BP6;BP7

Athena Diagnostics
Classification: Benign. Last evaluated: 2024-01-12. Review status: criteria provided, single submitter. Criteria: Athena Diagnostics Criteria. Collection method: clinical testing. Allele origin: unknown.

Mayo Clinic Laboratories, Mayo Clinic
Classification: Benign. Last evaluated: 2023-12-07. Review status: criteria provided, single submitter. Criteria: ACMG Guidelines, 2015. Collection method: clinical testing. Allele origin: germline. Observed: 57 variant alleles.

Women's Health and Genetics/Laboratory Corporation of America, LabCorp
Classification: Benign. Last evaluated: 2023-07-21. Review status: criteria provided, single submitter. Criteria: LabCorp Variant Classification Summary - May 2015. Collection method: clinical testing. Allele origin: germline.

Fulgent Genetics
Classification: Benign for Intestinal pseudoobstruction, neuronal, chronic idiopathic, X-linked; Heterotopia, periventricular, X-linked dominant; Terminal osseous dysplasia-pigmentary defects syndrome; FG syndrome 2; Oto-palato-digital syndrome, type II; Frontometaphyseal dysplasia 1; Melnick-Needles syndrome; Oto-palato-digital syndrome, type I; Cardiac valvular dysplasia, X-linked. Last evaluated: 2022-01-21. Review status: criteria provided, single submitter. Criteria: ACMG Guidelines, 2015. Collection method: clinical testing. Allele origin: unknown.

Ambry Genetics
Classification: Benign for Familial thoracic aortic aneurysm and aortic dissection. Last evaluated: 2016-03-09. Review status: criteria provided, single submitter. Criteria: Ambry Variant Classification Scheme 2023. Collection method: clinical testing. Allele origin: germline.

Eurofins Ntd Llc (ga)
Classification: Benign. Last evaluated: 2016-02-19. Review status: criteria provided, single submitter. Criteria: EGL Classification Definitions 2015. Collection method: clinical testing. Allele origin: germline. Observed: 3 variant alleles, 1 heterozygote, 2 hemizygotes.

GeneDx
Classification: Benign. Last evaluated: 2015-03-03. Review status: criteria provided, single submitter. Criteria: GeneDx Variant Classification Process June 2021. Collection method: clinical testing. Allele origin: germline. Affected: yes.

Genetic Services Laboratory, University of Chicago
Classification: Benign. Last evaluated: 2015-02-10. Review status: criteria provided, single submitter. Criteria: ACMG Guidelines, 2015. Collection method: clinical testing. Allele origin: germline.

Breakthrough Genomics
Classification: Benign. Review status: criteria provided, single submitter. Criteria: ACMG Guidelines, 2015. Collection method: not provided. Allele origin: germline. Inheritance: X-linked inheritance. Affected: yes.

NM_001110556.2(FLNA):c.882A>G (p.Thr294=)

Gene: FLNA (filamin A; minus strand). Cytogenetic location: Xq28.
Variant type: single nucleotide variant.
Coding change: c.882A>G on transcript NM_001110556.2 (MANE Select); coding-DNA position 882, A replaced by G.
Protein change: p.Thr294=; no amino-acid change (threonine 294 retained).
Molecular consequence: synonymous variant.
Genome position (GRCh38, 1-based): chrX:154,366,837, T>C on the plus strand (A>G on the coding strand, the complement: FLNA is on the minus strand). VCF-style: chrX-154366837-T-C. GRCh37 (hg19) VCF-style: chrX-153595205-T-C.
Other names: p.Thr294=; c.882A>G, p.Thr294= (NM_001456.4).
Identifiers: ClinVar variation 93777 (VCV000093777.79), dbSNP rs184864998, ClinGen allele CA152823.
Genomic context (GRCh38, chrX:154,366,837, plus strand): 5'-TCCCTGGCCAGCACTTCTGGTCTCCACAGTGAACTCTGCCCGCTTCTTCACCATGTTGCC[T>C]GTGGGCTCGATGCCTGGCAGGGGAAGGCGAGCCAACCACGGGCCAGCTGTTAAGGCCACA-3'
Protein context (NP_001104026.1, residues 284-304): ARAYGPGIEP[Thr294=]GNMVKKRAEF